The following is an entry in ClinVar:

NM_001035.3(RYR2):c.1346T>G (p.Ile449Arg)

Gene: RYR2 (ryanodine receptor 2; plus strand). Cytogenetic location: 1q43.
Variant type: single nucleotide variant.
Coding change: c.1346T>G on transcript NM_001035.3 (MANE Select); coding-DNA position 1346, T replaced by G.
Protein change: p.Ile449Arg; replaces isoleucine 449 with arginine.
Molecular consequence: missense variant.
Genome position (GRCh38, 1-based): chr1:237,454,444, T>G. VCF-style: chr1-237454444-T-G. GRCh37 (hg19) VCF-style: chr1-237617744-T-G.
Other names: c.1346T>G (NM_001035.2); short protein forms I449R.
Identifiers: ClinVar variation 1015998 (VCV001015998.21), dbSNP rs373331669, ClinGen allele CA085377.

ClinVar aggregate classification (germline): Uncertain significance. Review status: criteria provided, multiple submitters, no conflicts (2 of 4 stars). 6 submissions from 6 submitters: Uncertain significance (6). Last evaluated 2025-08-27.

Conditions:
Cardiovascular phenotype. Identifiers: MedGen CN230736.
Catecholaminergic polymorphic ventricular tachycardia (CVPT). Also called: Catecholamine-induced polymorphic ventricular tachycardia. Identifiers: Orphanet 3286, MedGen C5574922, MONDO:0017990.
Long QT syndrome (LQTS). Identifiers: MedGen C0023976, MeSH D008133, MONDO:0002442. Disease mechanism: loss of function. Inheritance: Various modes of inheritance.
Cardiomyopathy (CMYO). Also called: Cardiomyopathies. Identifiers: Orphanet 167848, MedGen C0878544, MONDO:0004994, HP:0001638. Inheritance: Various modes of inheritance.
Catecholaminergic polymorphic ventricular tachycardia 1. Also called: VENTRICULAR TACHYCARDIA, STRESS-INDUCED POLYMORPHIC 1; VENTRICULAR TACHYCARDIA, CATECHOLAMINERGIC POLYMORPHIC, 1, WITH OR WITHOUT ATRIAL DYSFUNCTION AND/OR DILATED CARDIOMYOPATHY; RYR2-Related Catecholaminergic Polymorphic Ventricular Tachycardia. Identifiers: Orphanet 3286, MedGen C1631597, MONDO:0011484, OMIM 604772.

Allele frequency attached by ClinVar (database versions not stated): ExAC 0.00001; gnomAD 0.00001; gnomAD exomes 0.00001 and 0.00002; TOPMed 0.00001; ESP Exome Variant Server 0.00008.
gnomAD v4.1: 23 of 1,613,472 alleles (0.0014%); highest among the groups gnomAD compares: Middle Eastern, 0.016%; no homozygotes.

Submissions (6):

Color Diagnostics, LLC DBA Color Health
Classification: Uncertain significance for Cardiomyopathy. Last evaluated: 2025-08-27. Review status: criteria provided, single submitter. Criteria: ACMG Guidelines, 2015. Collection method: clinical testing. Allele origin: germline.
Comment: This missense variant replaces isoleucine with arginine at codon 449 of the RYR2 protein. Computational prediction is inconclusive regarding the impact of this variant on protein structure and function. To our knowledge, functional studies have not been reported for this variant. This variant has been reported in an individual affected with Jervell and Lange-Nielsen syndrome, who carried a homozygous KCNQ1 variant (PMID: 29037160). This variant has also been reported in a sudden cardiac arrest survivor without cardiac phenotype (PMID: 30975432). This variant has been identified in 5/248594 chromosomes in the general population by the Genome Aggregation Database (gnomAD). The available evidence is insufficient to determine the role of this variant in disease conclusively. Therefore, this variant is classified as a Variant of Uncertain Significance.

GeneDx
Classification: Uncertain significance. Last evaluated: 2024-12-31. Review status: criteria provided, single submitter. Criteria: GeneDx Variant Classification Process June 2021. Collection method: clinical testing. Allele origin: germline. Affected: yes.
Comment: Reported in a patient with Jervell and Lange-Nielsen syndrome and in a patient with a history of sudden cardiac arrest; both patients harbored additional cardiogenetic variants (PMID: 29037160, 30975432); In silico analysis supports that this missense variant has a deleterious effect on protein structure/function; Not observed at significant frequency in large population cohorts (gnomAD); Located in one of the three hot-spot regions of the RYR2 gene, where the majority of pathogenic missense variants occur (PMID: 19926015); This variant is associated with the following publications: (PMID: 37937776, 19926015, 30975432, 29037160)

All of Us Research Program, National Institutes of Health
Classification: Uncertain significance for Catecholaminergic polymorphic ventricular tachycardia. Last evaluated: 2024-09-23. Review status: criteria provided, single submitter. Criteria: ACMG Guidelines, 2015. Collection method: clinical testing. Allele origin: germline. Inheritance: Autosomal dominant inheritance. Observed: 6 variant alleles, 6 heterozygotes.
Comment: This missense variant replaces isoleucine with arginine at codon 449 of the RYR2 protein. Computational prediction is inconclusive regarding the impact of this variant on protein structure and function (internally defined REVEL score threshold 0.5 < inconclusive < 0.7, PMID: 27666373). To our knowledge, functional studies have not been reported for this variant. This variant has been reported in three individuals from a family affected with Jervell and Lange-Nielsen syndrome. However, a homozygous pathogenic variant in the KCNQ1 gene was identified in this family and could explain the observed phenotype (PMID: 29037160). This variant has also been reported in a sudden cardiac arrest survivor without cardiac phenotype (PMID: 30975432). This variant has been identified in 5/248594 chromosomes in the general population by the Genome Aggregation Database (gnomAD). The available evidence is insufficient to determine the role of this variant in disease conclusively. Therefore, this variant is classified as a Variant of Uncertain Significance.

This study involves interpretation of variants in research participants for the purpose of population health screening. Participant phenotype was not available at the time of variant classification. Additional details can be found in publication PMID: 35346344, PMCID: PMC8962531

Ambry Genetics
Classification: Uncertain significance for Cardiovascular phenotype. Last evaluated: 2024-08-29. Review status: criteria provided, single submitter. Criteria: Ambry Variant Classification Scheme 2023. Collection method: clinical testing. Allele origin: germline.
Comment: The p.I449R variant (also known as c.1346T>G), located in coding exon 15 of the RYR2 gene, results from a T to G substitution at nucleotide position 1346. The isoleucine at codon 449 is replaced by arginine, an amino acid with similar properties. This alteration has been reported in a sudden cardiac arrest cohort (Asatryan B et al. Am J Cardiol, 2019 Jun;123:2031-2038). This amino acid position is highly conserved in available vertebrate species. In addition, this alteration is predicted to be deleterious by in silico analysis. Based on the available evidence, the clinical significance of this variant remains unclear.

Dept of Medical Biology, Uskudar University
Classification: Uncertain significance for Long QT syndrome. Last evaluated: 2024-01-08. Review status: criteria provided, single submitter. Criteria: Dept of Medical Biology Variant Classification. Collection method: research. Allele origin: maternal. Affected: yes. Observed: 1 variant allele.
Comment: Criteria: PM2, PP2, PP3

Labcorp Genetics (formerly Invitae), Labcorp
Classification: Uncertain significance for Catecholaminergic polymorphic ventricular tachycardia 1. Last evaluated: 2023-11-17. Review status: criteria provided, single submitter. Criteria: Invitae Variant Classification Sherloc (09022015). Collection method: clinical testing. Allele origin: germline.
Comment: This sequence change replaces isoleucine, which is neutral and non-polar, with arginine, which is basic and polar, at codon 449 of the RYR2 protein (p.Ile449Arg). This variant is present in population databases (rs373331669, gnomAD 0.006%). This missense change has been observed in individual(s) with clinical features of RYR2-related conditions (PMID: 29037160, 30975432). ClinVar contains an entry for this variant (Variation ID: 1015998). Advanced modeling of protein sequence and biophysical properties (such as structural, functional, and spatial information, amino acid conservation, physicochemical variation, residue mobility, and thermodynamic stability) performed at Invitae indicates that this missense variant is not expected to disrupt RYR2 protein function with a negative predictive value of 95%. In summary, the available evidence is currently insufficient to determine the role of this variant in disease. Therefore, it has been classified as a Variant of Uncertain Significance.

Literature cited by the submitters: PubMed 29037160 (cited by 3 submitters); PubMed 30975432 (cited by 4 submitters).